The following is an entry in ClinVar:

ClinVar aggregate classification (germline): Benign (1 of 4 stars; one submission).

Submission:

CeGaT Center for Human Genetics Tuebingen
Classification: Benign. Last evaluated: 2023-03-01. Review status: criteria provided, single submitter. Criteria: CeGaT Center For Human Genetics Tuebingen Variant Classification Criteria Version 2. Collection method: clinical testing. Allele origin: germline. Affected: yes. Observed: 1 variant allele.
Comment: NTRK1: BS1, BS2

NM_002529.4(NTRK1):c.851-614GT[28]

Gene: NTRK1 (neurotrophic receptor tyrosine kinase 1; plus strand). Cytogenetic location: 1q23.1.
Variant type: Microsatellite.
Coding change: c.851-614GT[28] on transcript NM_002529.4 (MANE Select); 28 copies in a row of the 2-base unit GT starting at c.851-614; the reference has 22 copies in a row; six copies, 12 bases duplicated.
Molecular consequence: intron variant.
Genome position (GRCh38, 1-based): chr1:156,873,051-156,873,062, GTGTGTGTGTGT duplicated; duplicating any 12 consecutive bases within chr1:156,873,019-156,873,062 gives the same sequence; the position shown is the placement nearest the transcript's 3' end. VCF-style (leftmost placement, unchanged base first): chr1-156873018-A-AGTGTGTGTGTGT. GRCh37 (hg19) VCF-style: chr1-156842810-A-AGTGTGTGTGTGT.
Other names: c.761-614GT[28] (NM_001007792.1); c.851-614GT[28] (NM_001012331.2).
Identifiers: ClinVar variation 2639468 (VCV002639468.24), dbSNP rs55870362, ClinGen allele CA889787925.
Genomic context (GRCh38, chr1:156,873,018, plus strand): 5'-TGAGCCACCGCGCCTGGCCCAGATTGGGTCTATTTCAAACGCATATCTTTTTTCAAAAAG[A>AGTGTGTGTGTGT]GTGTGTGTGTGTGTGTGTGTGTGTGTGTGTGTGTGTGTGTGTGTTTGAAGAGATGGGGTC-3'